The following is an entry in ClinVar:

NM_004999.4(MYO6):c.1983+1G>A

Gene: MYO6 (myosin VI; plus strand). Cytogenetic location: 6q14.1.
Variant type: single nucleotide variant.
Coding change: c.1983+1G>A on transcript NM_004999.4 (MANE Select); the canonical splice donor site of the intron after coding-DNA position 1983, G replaced by A.
Molecular consequence: splice donor variant.
Genome position (GRCh38, 1-based): chr6:75,870,686, G>A. VCF-style: chr6-75870686-G-A. GRCh37 (hg19) VCF-style: chr6-76580403-G-A.
Other names: c.1983+1G>A (NM_001368865.1, NM_001368866.1, NM_001368137.1 and 2 more transcripts); c.1968+1G>A (NM_001368138.1).
Identifiers: ClinVar variation 1323316 (VCV001323316.12), dbSNP rs2149321922, ClinGen allele CA364768035.

ClinVar aggregate classification (germline): Pathogenic/Likely pathogenic. Review status: criteria provided, multiple submitters, no conflicts (2 of 4 stars). 4 submissions from 4 submitters: Pathogenic (2); Likely pathogenic (2). Last evaluated 2025-09-30.

Conditions:
MYO6-related disorder. Also called: MYO6-related disorders; MYO6-related condition.

Submissions (4):

GeneDx
Classification: Likely pathogenic. Last evaluated: 2025-09-30. Review status: criteria provided, single submitter. Criteria: GeneDx Variant Classification Process June 2021. Collection method: clinical testing. Allele origin: germline.
Comment: Canonical splice site variant predicted to result in an in-frame loss of the adjacent exon in a gene for which loss of function is a known mechanism of disease; Not observed at significant frequency in large population cohorts (gnomAD); This variant is associated with the following publications: (PMID: 28831385, 26944241, 33144682)

Labcorp Genetics (formerly Invitae), Labcorp
Classification: Likely pathogenic. Last evaluated: 2024-07-17. Review status: criteria provided, single submitter. Criteria: Invitae Variant Classification Sherloc (09022015). Collection method: clinical testing. Allele origin: germline.
Comment: This sequence change affects a donor splice site in intron 19 of the MYO6 gene. It is expected to disrupt RNA splicing. Variants that disrupt the donor or acceptor splice site typically lead to a loss of protein function (PMID: 16199547), and loss-of-function variants in MYO6 are known to be pathogenic (PMID: 12687499, 18348273, 23767834, 25999546, 30582396). This variant is not present in population databases (gnomAD no frequency). Disruption of this splice site has been observed in individual(s) with autosomal recessive deafness (PMID: 26944241). ClinVar contains an entry for this variant (Variation ID: 1323316). Algorithms developed to predict the effect of sequence changes on RNA splicing suggest that this variant may disrupt the consensus splice site. In summary, the currently available evidence indicates that the variant is pathogenic, but additional data are needed to prove that conclusively. Therefore, this variant has been classified as Likely Pathogenic.

PreventionGenetics, part of Exact Sciences
Classification: Pathogenic for MYO6-related condition. Last evaluated: 2022-09-28. Review status: criteria provided, single submitter. Criteria: ACMG Guidelines, 2015. Collection method: clinical testing. Allele origin: germline.
Comment: The MYO6 c.1983+1G>A variant is predicted to disrupt the GT donor site and interfere with normal splicing. This variant has been reported in the homozygous state in a patient with seizures and congenital prelingual hearing loss, with only the mother reported as being heterozygous and no hearing loss being noted (Lazaridis et al. 2016. PubMed ID: 26944241; Vairo et al. 2017. PubMed ID: 28831385; Klee et al. 2020. PubMed ID: 33144682). This variant has not been reported in a large population database, indicating this variant is rare. Variants that disrupt the consensus splice donor site in MYO6 are expected to be pathogenic. This variant is interpreted as pathogenic.

Revvity Omics, Revvity
Classification: Pathogenic. Last evaluated: 2019-12-13. Review status: criteria provided, single submitter. Criteria: ACMG Guidelines, 2015. Collection method: clinical testing. Allele origin: germline.

Literature cited by the submitters: PubMed 16199547 (cited by Labcorp Genetics (formerly Invitae), Labcorp); PubMed 12687499 (cited by Labcorp Genetics (formerly Invitae), Labcorp); PubMed 18348273 (cited by Labcorp Genetics (formerly Invitae), Labcorp); PubMed 23767834 (cited by Labcorp Genetics (formerly Invitae), Labcorp); PubMed 25999546 (cited by Labcorp Genetics (formerly Invitae), Labcorp); PubMed 30582396 (cited by Labcorp Genetics (formerly Invitae), Labcorp); PubMed 26944241 (cited by Labcorp Genetics (formerly Invitae), Labcorp).